The following is an entry in ClinVar:

NM_005120.3(MED12):c.2306A>G (p.His769Arg)

Gene: MED12 (mediator complex subunit 12; plus strand). Cytogenetic location: Xq13.1.
Variant type: single nucleotide variant.
Coding change: c.2306A>G on transcript NM_005120.3 (MANE Select); coding-DNA position 2306, A replaced by G.
Protein change: p.His769Arg; replaces histidine 769 with arginine.
Molecular consequence: missense variant.
Genome position (GRCh38, 1-based): chrX:71,125,430, A>G. VCF-style: chrX-71125430-A-G. GRCh37 (hg19) VCF-style: chrX-70345280-A-G.
Other names: short protein forms H769R.
Identifiers: ClinVar variation 4795757 (VCV004795757.1).

ClinVar aggregate classification (germline): Uncertain significance (1 of 4 stars; one submission).

gnomAD v4.1: 6 of 1,210,685 alleles (0.0005%); highest among the groups gnomAD compares: Non-Finnish European, 0.00067%; no homozygotes.

Submission:

GeneDx
Classification: Uncertain significance. Last evaluated: 2025-08-16. Review status: criteria provided, single submitter. Criteria: GeneDx Variant Classification Process June 2021. Collection method: clinical testing. Allele origin: germline. Affected: yes.
Comment: Not observed at significant frequency in large population cohorts (gnomAD); In silico analysis supports that this missense variant has a deleterious effect on protein structure/function; Has not been previously published as pathogenic or benign to our knowledge